The following is an entry in ClinVar:

ClinVar aggregate classification (germline): Pathogenic (1 of 4 stars; one submission).

Submission:

Labcorp Genetics (formerly Invitae), Labcorp
Classification: Pathogenic. Last evaluated: 2026-01-19. Review status: criteria provided, single submitter. Criteria: Invitae Variant Classification Sherloc (09022015). Collection method: clinical testing. Allele origin: germline.
Comment: This sequence change creates a premature translational stop signal (p.Tyr207*) in the CC2D1A gene. It is expected to result in an absent or disrupted protein product. Loss-of-function variants in CC2D1A are known to be pathogenic (PMID: 16033914). This variant is not present in population databases (gnomAD no frequency). This variant has not been reported in the literature in individuals affected with CC2D1A-related conditions. For these reasons, this variant has been classified as Pathogenic.

Literature cited by the submitters: PubMed 16033914.

NM_017721.5(CC2D1A):c.621C>G (p.Tyr207Ter)

Gene: CC2D1A (coiled-coil and C2 domain containing 1A; plus strand). Cytogenetic location: 19p13.12.
Variant type: single nucleotide variant.
Coding change: c.621C>G on transcript NM_017721.5 (MANE Select); coding-DNA position 621, C replaced by G.
Protein change: p.Tyr207Ter; replaces tyrosine 207 with a stop codon.
Molecular consequence: nonsense.
Genome position (GRCh38, 1-based): chr19:13,913,511, C>G. VCF-style: chr19-13913511-C-G. GRCh37 (hg19) VCF-style: chr19-14024324-C-G.
Other names: c.621C>G, p.Tyr207Ter (NM_001411138.1); short protein forms Y207*.
Identifiers: ClinVar variation 4735437 (VCV004735437.1).